The following is an entry in ClinVar:

NM_004260.4(RECQL4):c.308C>T (p.Pro103Leu)

Gene: RECQL4 (RecQ like helicase 4; minus strand). Cytogenetic location: 8q24.3.
Variant type: single nucleotide variant.
Coding change: c.308C>T on transcript NM_004260.4 (MANE Select); coding-DNA position 308, C replaced by T.
Protein change: p.Pro103Leu; replaces proline 103 with leucine.
Molecular consequence: missense variant.
Genome position (GRCh38, 1-based): chr8:144,517,096, G>A on the plus strand (C>T on the coding strand, the complement: RECQL4 is on the minus strand). VCF-style: chr8-144517096-G-A. GRCh37 (hg19) VCF-style: chr8-145742480-G-A.
Other names: short protein forms P103L.
Identifiers: ClinVar variation 239755 (VCV000239755.40), dbSNP rs199543866, ClinGen allele CA4949385.

ClinVar aggregate classification (germline): Conflicting classifications of pathogenicity. Review status: criteria provided, conflicting classifications (1 of 4 stars). 13 submissions from 13 submitters: Uncertain significance (9); Likely benign (4). Last evaluated 2026-08-27.

Conditions:
RECQL4-related disorder. Also called: RECQL4-related condition; RECQL4-related disorders.
Rothmund-Thomson syndrome type 2 (RTS2). Identifiers: Orphanet 221016, MedGen C5203410, MONDO:0016369, OMIM 268400.
Inborn genetic diseases. Identifiers: MedGen C0950123, MeSH D030342.
Hereditary cancer-predisposing syndrome. Also called: Neoplastic Syndromes, Hereditary; Hereditary neoplastic syndrome; Hereditary Cancer Syndrome; Tumor predisposition. Identifiers: Orphanet 140162, MedGen C0027672, MeSH D009386, MONDO:0015356.
Baller-Gerold syndrome (BGS). Also called: CRANIOSYNOSTOSIS WITH RADIAL DEFECTS. Identifiers: Orphanet 1225, MedGen C0265308, MONDO:0009039, OMIM 218600.

Allele frequency attached by ClinVar (database versions not stated): ESP Exome Variant Server 0.00048; gnomAD exomes 0.00060; ExAC 0.00063; TOPMed 0.00071; gnomAD 0.00079 and 0.00082.
gnomAD v4.1: 1,853 of 1,612,326 alleles (0.11%); highest among the groups gnomAD compares: Non-Finnish European, 0.15%; no homozygotes.

Submissions (13):

PreventionGenetics, part of Exact Sciences
Classification: Uncertain significance for RECQL4-related condition. Last evaluated: 2026-08-27. Review status: criteria provided, single submitter. Criteria: ACMG Guidelines, 2015. Collection method: clinical testing. Allele origin: germline.
Comment: The RECQL4 c.308C>T variant is predicted to result in the amino acid substitution p.Pro103Leu. This variant was reported in an individual with Rothmund-Thomson syndrome; however, a second variant was not detected (Wang et al. 2003. PubMed ID: 12734318). This variant was reported in individuals with osteosarcoma (eTable 5, Mirabello et al. 2020. PubMed ID: 32191290) and craniosynostosis (Supplementary Table 3, Bukowska-Olech et al. 2022. PubMed ID: 35591945). This variant is reported in 0.11% of alleles in individuals of European (Non-Finnish) descent in gnomAD. This variant has conflicting interpretations in ClinVar, ranging from uncertain to likely benign (Variation ID: 239755). Although we suspect that this variant may be benign, at this time, the clinical significance of this variant is uncertain due to the absence of conclusive functional and genetic evidence.

Labcorp Genetics (formerly Invitae), Labcorp
Classification: Likely benign for Baller-Gerold syndrome. Last evaluated: 2026-02-01. Review status: criteria provided, single submitter. Criteria: Invitae Variant Classification Sherloc (09022015). Collection method: clinical testing. Allele origin: germline.

Dasa
Classification: Likely benign. Last evaluated: 2025-11-30. Review status: criteria provided, single submitter. Criteria: DASA Assertion Criteria. Collection method: clinical testing. Allele origin: germline.
Comment: NM_004260.4(RECQL4):c.308C>T (p.Pro103Leu) is a missense variant that results in the substitution of proline with leucine. Population frequency is inconsistent with a disease-causing role for this variant. Therefore, based on the currently available evidence, this variant is classified as likely benign.

Blueprint Genetics
Classification: Likely benign. Last evaluated: 2024-10-26. Review status: criteria provided, single submitter. Criteria: ACMG Guidelines, 2015. Collection method: clinical testing. Allele origin: germline.

St. Jude Molecular Pathology, St. Jude Children's Research Hospital
Classification: Uncertain significance for Rothmund-Thomson syndrome type 2. Last evaluated: 2024-08-09. Review status: criteria provided, single submitter. Criteria: St. Jude Assertion Criteria 2020. Collection method: clinical testing. Allele origin: germline.
Comment: The RECQL4 c.308C>T (p.Pro103Leu) missense change has a maximum subpopulation frequency of 0.12% in gnomAD v2.1.1. In silico tools predict a benign effect of this variant on protein function, but to our knowledge these predictions have not been confirmed by functional assays. This variant has been reported in an individual meeting diagnostic criteria for Rothmund-Thomson syndrome who did not have a second pathogenic variant in RECQL4 identified (PMID: 12734318). In summary, the evidence currently available is insufficient to determine the clinical significance of this variant. It has therefore been classified as of uncertain significance.

GeneDx
Classification: Uncertain significance. Last evaluated: 2024-06-05. Review status: criteria provided, single submitter. Criteria: GeneDx Variant Classification Process June 2021. Collection method: clinical testing. Allele origin: germline. Affected: yes.
Comment: Identified without a second RECQL4 variant in a patient with clinical features of Rothmund-Thomson syndrome and with a missense RECQL4 variant in a patient with complex craniosynostosis (PMID: 12734318, 32139749); Observed heterozygous in a patient with sporadic pancreatic cancer and with a second RECQL4 variant in a patient with osteosarcoma (PMID: 32659497, 32191290); In silico analysis supports that this missense variant does not alter protein structure/function; This variant is associated with the following publications: (PMID: 30680959, 32139749, 32659497, 37731390, 35591945, 12734318, 32191290)

Ambry Genetics
Classification: Uncertain significance for Inborn genetic diseases. Last evaluated: 2022-05-31. Review status: criteria provided, single submitter. Criteria: Ambry Variant Classification Scheme 2023. Collection method: clinical testing. Allele origin: germline.

Sema4
Classification: Likely benign for Hereditary cancer-predisposing syndrome. Last evaluated: 2021-12-22. Review status: criteria provided, single submitter. Criteria: Sema4 Curation Guidelines. Collection method: curation. Allele origin: germline.

Institute for Clinical Genetics, University Hospital TU Dresden, University Hospital TU Dresden
Classification: Uncertain significance. Last evaluated: 2021-11-03. Review status: criteria provided, single submitter. Criteria: ACMG Guidelines, 2015. Collection method: clinical testing. Allele origin: germline.

Genetic Services Laboratory, University of Chicago
Classification: Uncertain significance. Last evaluated: 2021-10-14. Review status: criteria provided, single submitter. Criteria: ACMG Guidelines, 2015. Collection method: clinical testing. Allele origin: germline. Affected: no.
Comment: DNA sequence analysis of the RECQL4 gene demonstrated a sequence change, c.308C>T, in exon 4 that results in an amino acid change, p.Pro103Leu. This sequence change has been previously described in an individual with RECQL4-related disorder (PMID: 12734318). This sequence change has been described in the gnomAD database with a low frequency of 0.11% in the non-Finnish European subpopulation (dbSNP rs199543866). The p.Pro103Leu change affects a poorly conserved amino acid residue of the RECQL4 protein. In-silico pathogenicity prediction tools (SIFT, PolyPhen2, Align GVGD) provide contradictory results for the p.Pro103Leu substitution. Due to insufficient evidence and the lack of functional studies, the clinical significance of the p.Pro103Leu change remains unknown at this time.

AiLife Diagnostics
Classification: Uncertain significance. Last evaluated: 2021-06-18. Review status: criteria provided, single submitter. Criteria: ACMG Guidelines, 2015. Collection method: clinical testing. Allele origin: germline. Affected: yes. Observed: 1 variant allele.

Mendelics
Classification: Uncertain significance for Baller-Gerold syndrome. Last evaluated: 2019-05-28. Review status: criteria provided, single submitter. Criteria: Mendelics Assertion Criteria 2017. Collection method: clinical testing. Allele origin: unknown.

Eurofins Ntd Llc (ga)
Classification: Uncertain significance. Last evaluated: 2016-10-20. Review status: criteria provided, single submitter. Criteria: EGL Classification Definitions 2015. Collection method: clinical testing. Allele origin: germline. Observed: 1 variant allele, 1 heterozygote.

Literature cited by the submitters: PubMed 12734318 (cited by 3 submitters); PubMed 32139749 (cited by Ambry Genetics and Sema4); PubMed 30680959 (cited by Sema4); PubMed 32659497 (cited by Sema4).